The following is an entry in ClinVar:

NM_000208.4(INSR):c.1001C>T (p.Pro334Leu)

Gene: INSR (insulin receptor; minus strand). Cytogenetic location: 19p13.2.
Variant type: single nucleotide variant.
Coding change: c.1001C>T on transcript NM_000208.4 (MANE Select); coding-DNA position 1001, C replaced by T.
Protein change: p.Pro334Leu; replaces proline 334 with leucine.
Molecular consequence: missense variant.
Genome position (GRCh38, 1-based): chr19:7,174,705, G>A on the plus strand (C>T on the coding strand, the complement: INSR is on the minus strand). VCF-style: chr19-7174705-G-A. GRCh37 (hg19) VCF-style: chr19-7174716-G-A.
Other names: c.1001C>T, p.Pro334Leu (NM_001079817.3); short protein forms P334L.
Identifiers: ClinVar variation 1337776 (VCV001337776.4), dbSNP rs373995681, ClinGen allele CA304860995.

ClinVar aggregate classification (germline): Uncertain significance (1 of 4 stars; one submission).

Allele frequency attached by ClinVar (database versions not stated): gnomAD exomes below 0.00001 and 0.00001; TOPMed 0.00001; ESP Exome Variant Server 0.00008.
gnomAD v4.1: 4 of 1,614,006 alleles (0.00025%); highest among the groups gnomAD compares: East Asian, 0.0045%; no homozygotes.

Submission:

Genetic Services Laboratory, University of Chicago
Classification: Uncertain significance. Last evaluated: 2020-11-17. Review status: criteria provided, single submitter. Criteria: ACMG Guidelines, 2015. Collection method: clinical testing. Allele origin: germline. Affected: no.
Comment: This sequence change does not appear to have been previously described in patients with INSR-related disorders and has been described in the gnomAD database with a low population frequency of 0.00040% (dbSNP rs373995681). The p.Pro334Leu change affects a moderately conserved amino acid residue located in a domain of the INSR protein that is known to be functional. The p.Pro334Leu substitution appears to be benign using several in-silico pathogenicity prediction tools (SIFT, PolyPhen2, Align GVGD, REVEL). Due to these contrasting evidences and the lack of functional studies, the clinical significance of the p.Pro334Leu change remains unknown at this time.